The following is an entry in ClinVar:

ClinVar aggregate classification (germline): Uncertain significance (0 of 4 stars; one submission).

Submission:

Martin Pollak Laboratory,  Beth Israel Deaconess Medical Center
Classification: Uncertain significance. Review status: no assertion criteria provided. Collection method: not provided. Allele origin: unknown.
Comment: Lower UCa2+ group
ClinVar note: Converted during submission from unknown to Uncertain significance.

NM_005984.5(SLC25A1):c.697G>A (p.Ala233Thr)

Gene: SLC25A1 (solute carrier family 25 member 1; minus strand). Cytogenetic location: 22q11.21.
Variant type: single nucleotide variant.
Coding change: c.697G>A on transcript NM_005984.5 (MANE Select); coding-DNA position 697, G replaced by A.
Protein change: p.Ala233Thr; replaces alanine 233 with threonine.
Molecular consequence: missense variant. On other transcripts: non-coding transcript variant (1).
Genome position (GRCh38, 1-based): chr22:19,176,628, C>T on the plus strand (G>A on the coding strand, the complement: SLC25A1 is on the minus strand). VCF-style: chr22-19176628-C-T. GRCh37 (hg19) VCF-style: chr22-19164141-C-T.
Other names: c.718G>A, p.Ala240Thr (NM_001256534.2); c.388G>A, p.Ala130Thr (NM_001287387.2); short protein forms A233T, A130T, A240T.
Identifiers: ClinVar variation 64563 (VCV000064563.2), dbSNP rs200222886, ClinGen allele CA216411.